The following is an entry in ClinVar:

ClinVar aggregate classification (germline): Likely pathogenic (1 of 4 stars; one submission).

Submission:

GeneDx
Classification: Likely pathogenic. Last evaluated: 2021-09-13. Review status: criteria provided, single submitter. Criteria: GeneDx Variant Classification Process June 2021. Collection method: clinical testing. Allele origin: germline. Affected: yes.
Comment: Canonical splice site variant expected to result in aberrant splicing, although in the absence of functional evidence the actual effect of this sequence change is unknown.; Not observed at significant frequency in large population cohorts (Lek et al., 2016); Has not been previously published as pathogenic or benign to our knowledge; This variant is associated with the following publications: (PMID: 18409179)

NM_000489.6(ATRX):c.371-2A>G

Gene: ATRX (ATRX chromatin remodeler; minus strand). Cytogenetic location: Xq21.1.
Variant type: single nucleotide variant.
Coding change: c.371-2A>G on transcript NM_000489.6 (MANE Select); the canonical splice acceptor site of the intron before coding-DNA position 371, A replaced by G.
Molecular consequence: splice acceptor variant. On other transcripts: intron variant (1).
Genome position (GRCh38, 1-based): chrX:77,693,939, T>C on the plus strand (A>G on the coding strand, the complement: ATRX is on the minus strand). VCF-style: chrX-77693939-T-C. GRCh37 (hg19) VCF-style: chrX-76949428-T-C.
Other names: c.370+2638A>G (NM_138270.5).
Identifiers: ClinVar variation 546559 (VCV000546559.4), dbSNP rs1557148369, ClinGen allele CA413723114.